The following is an entry in ClinVar:

ClinVar aggregate classification (germline): Uncertain significance (1 of 4 stars; one submission).

Conditions:
Nance-Horan syndrome (NHS). Identifiers: Orphanet 627, MedGen C0796085, MONDO:0010545, OMIM 302350.

Submission:

Labcorp Genetics (formerly Invitae), Labcorp
Classification: Uncertain significance for Nance-Horan syndrome. Last evaluated: 2022-10-30. Review status: criteria provided, single submitter. Criteria: Invitae Variant Classification Sherloc (09022015). Collection method: clinical testing. Allele origin: germline.
Comment: This sequence change replaces aspartic acid, which is acidic and polar, with tyrosine, which is neutral and polar, at codon 770 of the NHS protein (p.Asp770Tyr). This variant is not present in population databases (gnomAD no frequency). This variant has not been reported in the literature in individuals affected with NHS-related conditions. Advanced modeling of protein sequence and biophysical properties (such as structural, functional, and spatial information, amino acid conservation, physicochemical variation, residue mobility, and thermodynamic stability) performed at Invitae indicates that this missense variant is expected to disrupt NHS protein function. In summary, the available evidence is currently insufficient to determine the role of this variant in disease. Therefore, it has been classified as a Variant of Uncertain Significance.

NM_001291867.2(NHS):c.2371G>T (p.Asp791Tyr)

Gene: NHS (NHS actin remodeling regulator; plus strand). Cytogenetic location: Xp22.13.
Variant type: single nucleotide variant.
Coding change: c.2371G>T on transcript NM_001291867.2 (MANE Select); coding-DNA position 2371, G replaced by T.
Protein change: p.Asp791Tyr; replaces aspartic acid 791 with tyrosine.
Molecular consequence: missense variant.
Genome position (GRCh38, 1-based): chrX:17,726,477, G>T. VCF-style: chrX-17726477-G-T. GRCh37 (hg19) VCF-style: chrX-17744597-G-T.
Other names: c.1840G>T, p.Asp614Tyr (NM_001136024.4); c.1777G>T, p.Asp593Tyr (NM_001291868.2); c.2308G>T, p.Asp770Tyr (NM_198270.4); short protein forms D614Y, D791Y, D593Y, D770Y.
Identifiers: ClinVar variation 2810831 (VCV002810831.3), dbSNP rs2519936951, ClinGen allele CA412358038.